The following is an entry in ClinVar:

ClinVar aggregate classification (germline): Uncertain significance. Review status: criteria provided, multiple submitters, no conflicts (2 of 4 stars). 3 submissions from 3 submitters: Uncertain significance (3). Last evaluated 2025-03-04.

Conditions:
Marfan syndrome (MFS). Also called: MARFAN SYNDROME, TYPE I; Marfan syndrome type 1; Marfan's syndrome; Marfan syndrome, classic; FBN1-Related Marfan Syndrome. Identifiers: Orphanet 284963, Orphanet 558, MedGen C0024796, MONDO:0007947, OMIM 154700.
Familial thoracic aortic aneurysm and aortic dissection (TAAD). Also called: Thoracic aortic aneurysms and dissections. Identifiers: Orphanet 91387, MedGen C4707243, MONDO:0019625.

Submissions (3):

GeneDx
Classification: Uncertain significance. Last evaluated: 2025-03-04. Review status: criteria provided, single submitter. Criteria: GeneDx Variant Classification Process June 2021. Collection method: clinical testing. Allele origin: germline. Affected: yes.
Comment: Not observed at significant frequency in large population cohorts (gnomAD); In silico analysis supports that this missense variant has a deleterious effect on protein structure/function; Has not been previously published as pathogenic or benign to our knowledge; Does not affect a cysteine or calcium-binding residue within an EGF-like domain or a TGF-binding protein domain of the FBN1 gene; cysteine substitutions in the EGF-like domains represent the majority of pathogenic missense changes associated with FBN1-related disorders (PMID: 12938084); This variant is associated with the following publications: (PMID: 12938084)

Ambry Genetics
Classification: Uncertain significance for Familial thoracic aortic aneurysm and aortic dissection. Last evaluated: 2024-09-10. Review status: criteria provided, single submitter. Criteria: Ambry Variant Classification Scheme 2023. Collection method: clinical testing. Allele origin: germline.
Comment: The p.G2370D variant (also known as c.7109G>A), located in coding exon 57 of the FBN1 gene, results from a G to A substitution at nucleotide position 7109. The glycine at codon 2370 is replaced by aspartic acid, an amino acid with similar properties. This amino acid position is highly conserved in available vertebrate species. In addition, this alteration is predicted to be deleterious by in silico analysis. Based on the available evidence, the clinical significance of this variant remains unclear.

Labcorp Genetics (formerly Invitae), Labcorp
Classification: Uncertain significance for Marfan syndrome; Familial thoracic aortic aneurysm and aortic dissection. Last evaluated: 2023-09-21. Review status: criteria provided, single submitter. Criteria: Invitae Variant Classification Sherloc (09022015). Collection method: clinical testing. Allele origin: germline.
Comment: In summary, the available evidence is currently insufficient to determine the role of this variant in disease. Therefore, it has been classified as a Variant of Uncertain Significance. Advanced modeling of protein sequence and biophysical properties (such as structural, functional, and spatial information, amino acid conservation, physicochemical variation, residue mobility, and thermodynamic stability) performed at Invitae indicates that this missense variant is expected to disrupt FBN1 protein function. This variant has not been reported in the literature in individuals affected with FBN1-related conditions. This variant is not present in population databases (gnomAD no frequency). This sequence change replaces glycine, which is neutral and non-polar, with aspartic acid, which is acidic and polar, at codon 2370 of the FBN1 protein (p.Gly2370Asp).

NM_000138.5(FBN1):c.7109G>A (p.Gly2370Asp)

Gene: FBN1 (fibrillin 1; minus strand). Cytogenetic location: 15q21.1.
Variant type: single nucleotide variant.
Coding change: c.7109G>A on transcript NM_000138.5 (MANE Select); coding-DNA position 7109, G replaced by A.
Protein change: p.Gly2370Asp; replaces glycine 2370 with aspartic acid.
Molecular consequence: missense variant.
Genome position (GRCh38, 1-based): chr15:48,427,662, C>T on the plus strand (G>A on the coding strand, the complement: FBN1 is on the minus strand). VCF-style: chr15-48427662-C-T. GRCh37 (hg19) VCF-style: chr15-48719859-C-T.
Other names: c.7109G>A, p.Gly2370Asp (NM_001406716.1); short protein forms G2370D.
Identifiers: ClinVar variation 2928114 (VCV002928114.5), dbSNP rs2042988229, ClinGen allele CA392329741.